The following is an entry in ClinVar:

NM_000057.4(BLM):c.4184A>G (p.Lys1395Arg)

Gene: BLM (BLM RecQ like helicase; plus strand). Cytogenetic location: 15q26.1.
Variant type: single nucleotide variant.
Coding change: c.4184A>G on transcript NM_000057.4 (MANE Select); coding-DNA position 4184, A replaced by G.
Protein change: p.Lys1395Arg; replaces lysine 1395 with arginine.
Molecular consequence: missense variant.
Genome position (GRCh38, 1-based): chr15:90,815,209, A>G. VCF-style: chr15-90815209-A-G. GRCh37 (hg19) VCF-style: chr15-91358439-A-G.
Other names: c.4184A>G, p.Lys1395Arg (NM_001287246.2); c.3791A>G, p.Lys1264Arg (NM_001287247.2); c.3059A>G, p.Lys1020Arg (NM_001287248.2); short protein forms K1264R, K1020R, K1395R.
Identifiers: ClinVar variation 4622500 (VCV004622500.1).
Genomic context (GRCh38, chr15:90,815,209, plus strand): 5'-GCATCATTGGATCCAGTTCAGCCTCACATACTTCTCAAGCGACATCAGGAGCCAATAGCA[A>G]ATTGGGGATTATGGCTCCACCGAAGCCTATAAATAGACCGTTTCTTAAGCCTTCATATGC-3'
Protein context (NP_000048.1, residues 1385-1405): TSQATSGANS[Lys1395Arg]LGIMAPPKPI

ClinVar aggregate classification (germline): Uncertain significance (1 of 4 stars; one submission).

Conditions:
Hereditary cancer-predisposing syndrome. Also called: Neoplastic Syndromes, Hereditary; Tumor predisposition; Hereditary Cancer Syndrome; Hereditary neoplastic syndrome. Identifiers: Orphanet 140162, MedGen C0027672, MeSH D009386, MONDO:0015356.

Submission:

Ambry Genetics
Classification: Uncertain significance for Hereditary cancer-predisposing syndrome. Last evaluated: 2025-09-16. Review status: criteria provided, single submitter. Criteria: Ambry Variant Classification Scheme 2023. Collection method: clinical testing. Allele origin: germline.
Comment: The p.K1395R variant (also known as c.4184A>G), located in coding exon 21 of the BLM gene, results from an A to G substitution at nucleotide position 4184. The lysine at codon 1395 is replaced by arginine, an amino acid with highly similar properties. This amino acid position is conserved. In addition, this alteration is predicted to be tolerated by in silico analysis. Based on the available evidence, the clinical significance of this variant remains unclear.